The following is an entry in ClinVar:

ClinVar aggregate classification (germline): Likely benign. Review status: criteria provided, multiple submitters, no conflicts (2 of 4 stars). 5 submissions from 5 submitters: Likely benign (4). 1 of the submissions does not count toward it. Last evaluated 2025-12-14.

Conditions:
RIT1-related disorder. Also called: RIT1-related condition.
Noonan syndrome 8 (NS8). Identifiers: Orphanet 648, MedGen C3809233, MONDO:0014143, OMIM 615355.
Cardiovascular phenotype. Identifiers: MedGen CN230736.

Allele frequency attached by ClinVar (database versions not stated): gnomAD exomes below 0.00001 and 0.00002; gnomAD 0.00003; TOPMed 0.00003; ESP Exome Variant Server 0.00008.
gnomAD v4.1: 32 of 1,614,068 alleles (0.002%); highest among the groups gnomAD compares: Non-Finnish European, 0.0027%; no homozygotes.

Submissions (5):

Labcorp Genetics (formerly Invitae), Labcorp
Classification: Likely benign for Noonan syndrome 8. Last evaluated: 2025-12-14. Review status: criteria provided, single submitter. Criteria: Invitae Variant Classification Sherloc (09022015). Collection method: clinical testing. Allele origin: germline.

Genome-Nilou Lab
Classification: Likely benign for Noonan syndrome 8. Last evaluated: 2023-04-11. Review status: criteria provided, single submitter. Criteria: ACMG Guidelines, 2015. Collection method: clinical testing. Allele origin: germline. Affected: no.

GeneDx
Classification: Likely benign. Last evaluated: 2021-06-01. Review status: criteria provided, single submitter. Criteria: GeneDx Variant Classification Process June 2021. Collection method: clinical testing. Allele origin: germline. Affected: yes.

Ambry Genetics
Classification: Likely benign for Cardiovascular phenotype. Last evaluated: 2019-06-09. Review status: criteria provided, single submitter. Criteria: Ambry Variant Classification Scheme 2023. Collection method: clinical testing. Allele origin: germline.

PreventionGenetics, part of Exact Sciences
Classification: Likely benign for RIT1-related condition. Last evaluated: 2024-03-06. Review status: no assertion criteria provided. Collection method: clinical testing. Allele origin: germline. Not counted in ClinVar's aggregate classification.
Comment: This variant is classified as likely benign based on ACMG/AMP sequence variant interpretation guidelines (Richards et al. 2015 PMID: 25741868, with internal and published modifications).

NM_006912.6(RIT1):c.498A>C (p.Ala166=)

Gene: RIT1 (Ras like without CAAX 1; minus strand). Cytogenetic location: 1q22.
Variant type: single nucleotide variant.
Coding change: c.498A>C on transcript NM_006912.6 (MANE Select); coding-DNA position 498, A replaced by C.
Protein change: p.Ala166=; no amino-acid change (alanine 166 retained).
Molecular consequence: synonymous variant.
Genome position (GRCh38, 1-based): chr1:155,900,550, T>G on the plus strand (A>C on the coding strand, the complement: RIT1 is on the minus strand). VCF-style: chr1-155900550-T-G. GRCh37 (hg19) VCF-style: chr1-155870341-T-G.
Other names: c.390A>C, p.Ala130= (NM_001256820.2); c.549A>C, p.Ala183= (NM_001256821.2); c.549A>C (NM_001256821.1).
Identifiers: ClinVar variation 1094970 (VCV001094970.14), dbSNP rs375734733, ClinGen allele CA30982435.
Genomic context (GRCh38, chr1:155,900,550, plus strand): 5'-TTCTTTCCTACGTATCTCCCGTACAAGGGCATGGAAAACATCATCAATATAGTAGCGGTA[T>G]GCAGCAGATGTCTCAAAAAAGGGACAGCTGAATTCTCGGGCCAAGGCCAATCCTTCTTCC-3'
Protein context (NP_008843.1, residues 156-176): FSCPFFETSA[Ala166=]YRYYIDDVFH